The following is an entry in ClinVar:

ClinVar aggregate classification (germline): Pathogenic (1 of 4 stars; one submission).

Submission:

Labcorp Genetics (formerly Invitae), Labcorp
Classification: Pathogenic. Last evaluated: 2020-10-01. Review status: criteria provided, single submitter. Criteria: Invitae Variant Classification Sherloc (09022015). Collection method: clinical testing. Allele origin: germline.
Comment: For these reasons, this variant has been classified as Pathogenic. Loss-of-function variants in ADGRV1 are known to be pathogenic (PMID: 19357117, 22135276, 22147658). This variant has not been reported in the literature in individuals with ADGRV1-related conditions. This variant is not present in population databases (ExAC no frequency). This sequence change creates a premature translational stop signal (p.Gln2723Asnfs*4) in the ADGRV1 gene. It is expected to result in an absent or disrupted protein product.

Literature cited by the submitters: PubMed 19357117; PubMed 22135276; PubMed 22147658.

NM_032119.4(ADGRV1):c.8167del (p.Gln2723fs)

Gene: ADGRV1 (adhesion G protein-coupled receptor V1; plus strand). Cytogenetic location: 5q14.3.
Variant type: Deletion.
Coding change: c.8167del on transcript NM_032119.4 (MANE Select); coding-DNA position 8167, one base deleted (C; older notation c.8167delC).
Protein change: p.Gln2723fs; shifts the reading frame from glutamine 2723.
Molecular consequence: frameshift variant. On other transcripts: non-coding transcript variant (1).
Genome position (GRCh38, 1-based): chr5:90,703,676, C deleted. VCF-style (leftmost placement, unchanged base first): chr5-90703675-AC-A. GRCh37 (hg19) VCF-style: chr5-89999492-AC-A.
Other names: short protein forms Q2723fs.
Identifiers: ClinVar variation 1076602 (VCV001076602.7), dbSNP rs2149684606, ClinGen allele CA2499218001.
Genomic context (GRCh38, chr5:90,703,675, plus strand): 5'-GAAGTTTATTTTCCATTAAGTATTTATCAATTTACACATTTTACTTGCAGGAGAAATTTT[AC>A]AATTCCATGTGATAAGAACTTTCCCTGGTCGAGGAAATGTTACTGTTAACTGGAAAATTA-3'